The following is an entry in ClinVar:

NM_001943.5(DSG2):c.649dup (p.Thr217fs)

Gene: DSG2 (desmoglein 2; plus strand). Cytogenetic location: 18q12.1.
Variant type: Duplication.
Coding change: c.649dup on transcript NM_001943.5 (MANE Select); coding-DNA position 649, one base duplicated (A; older notation c.649dupA).
Protein change: p.Thr217fs; shifts the reading frame from threonine 217.
Molecular consequence: frameshift variant.
Genome position (GRCh38, 1-based): chr18:31,522,208, A duplicated. VCF-style (leftmost placement, unchanged base first): chr18-31522207-T-TA. GRCh37 (hg19) VCF-style: chr18-29102170-T-TA.
Other names: short protein forms T217fs.
Identifiers: ClinVar variation 1074342 (VCV001074342.10), dbSNP rs1598811394, ClinGen allele CA919958824.

ClinVar aggregate classification (germline): Conflicting classifications of pathogenicity. Review status: criteria provided, conflicting classifications (1 of 4 stars). 3 submissions from 3 submitters: Pathogenic (2); Uncertain significance (1). Last evaluated 2024-08-14.

Conditions:
Arrhythmogenic right ventricular dysplasia 10. Also called: Arrhythmogenic right ventricular dysplasia/cardiomyopathy, type 10; Arrhythmogenic Right Ventricular Dysplasia/Cardiomyopathy10; ARRHYTHMOGENIC RIGHT VENTRICULAR DYSPLASIA, FAMILIAL, 10. Identifiers: MedGen C1857777, MONDO:0012434, OMIM 610193.
Cardiomyopathy (CMYO). Also called: Cardiomyopathies. Identifiers: Orphanet 167848, MedGen C0878544, MONDO:0004994, HP:0001638. Inheritance: Various modes of inheritance.

Submissions (3):

3billion
Classification: Pathogenic for Arrhythmogenic right ventricular dysplasia 10. Last evaluated: 2024-08-14. Review status: criteria provided, single submitter. Criteria: ACMG Guidelines, 2015. Collection method: clinical testing. Allele origin: germline. Affected: yes.
Comment: The variant is observed at an extremely low frequency in the gnomAD v4.0.0 dataset (total allele frequency: <0.001%). Predicted Consequence/Location: Frameshift: predicted to result in a loss or disruption of normal protein function through nonsense-mediated decay (NMD) or protein truncation. Multiple pathogenic variants are reported downstream of the variant. The variant has been reported to be associated with DSG2 related disorder (ClinVar ID: VCV001074342). Therefore, this variant is classified as Pathogenic according to the recommendation of ACMG/AMP guideline.

Color Diagnostics, LLC DBA Color Health
Classification: Uncertain significance for Cardiomyopathy. Last evaluated: 2022-05-31. Review status: criteria provided, single submitter. Criteria: ACMG Guidelines, 2015. Collection method: clinical testing. Allele origin: germline.
Comment: This variant inserts 1 nucleotide in exon 6 of the DSG2 gene, creating a frameshift and premature translation stop signal. This variant is expected to result in an absent or non-functional protein product. To our knowledge, this variant has not been reported in individuals affected with cardiovascular disorders in the literature. This variant has not been identified in the general population by the Genome Aggregation Database (gnomAD). Although there is a suspicion for a pathogenic role, clinical relevance of loss-of-function DSG2 truncation and splice variants in autosomal dominant arrhythmogenic cardiomyopathy is not yet clearly established. The available evidence is insufficient to determine the role of this variant in autosomal dominant arrhythmogenic cardiomyopathy conclusively. Therefore, this variant is classified as a Variant of Uncertain Significance.

Labcorp Genetics (formerly Invitae), Labcorp
Classification: Pathogenic for Arrhythmogenic right ventricular dysplasia 10. Last evaluated: 2020-02-07. Review status: criteria provided, single submitter. Criteria: Invitae Variant Classification Sherloc (09022015). Collection method: clinical testing. Allele origin: germline.
Comment: This variant is not present in population databases (ExAC no frequency). This sequence change creates a premature translational stop signal (p.Thr217Asnfs*51) in the DSG2 gene. It is expected to result in an absent or disrupted protein product. This variant has not been reported in the literature in individuals with DSG2-related conditions. Loss-of-function variants in DSG2 are known to be pathogenic (PMID: 23381804, 23911551). For these reasons, this variant has been classified as Pathogenic.

Literature cited by the submitters: PubMed 23381804 (cited by Labcorp Genetics (formerly Invitae), Labcorp); PubMed 23911551 (cited by Labcorp Genetics (formerly Invitae), Labcorp).